The following is an entry in ClinVar:

ClinVar aggregate classification (germline): Uncertain significance (1 of 4 stars; one submission).

gnomAD v4.1: 3 of 1,614,240 alleles (0.00019%); highest among the groups gnomAD compares: East Asian, 0.0067%; no homozygotes.

Submission:

Ambry Genetics
Classification: Uncertain significance. Last evaluated: 2024-08-06. Review status: criteria provided, single submitter. Criteria: Ambry Variant Classification Scheme 2023. Collection method: clinical testing. Allele origin: germline.
Comment: The p.G869D variant (also known as c.2606G>A), located in coding exon 16 of the POLQ gene, results from a G to A substitution at nucleotide position 2606. The glycine at codon 869 is replaced by aspartic acid, an amino acid with similar properties. This amino acid position is conserved. In addition, this alteration is predicted to be tolerated by in silico analysis. Based on the available evidence, the clinical significance of this variant remains unclear.

NM_199420.4(POLQ):c.2606G>A (p.Gly869Asp)

Gene: POLQ (DNA polymerase theta; minus strand). Cytogenetic location: 3q13.33.
Variant type: single nucleotide variant.
Coding change: c.2606G>A on transcript NM_199420.4 (MANE Select); coding-DNA position 2606, G replaced by A.
Protein change: p.Gly869Asp; replaces glycine 869 with aspartic acid.
Molecular consequence: missense variant.
Genome position (GRCh38, 1-based): chr3:121,490,325, C>T on the plus strand (G>A on the coding strand, the complement: POLQ is on the minus strand). VCF-style: chr3-121490325-C-T. GRCh37 (hg19) VCF-style: chr3-121209172-C-T.
Other names: short protein forms G869D.
Identifiers: ClinVar variation 3422485 (VCV003422485.1).